The following is an entry in ClinVar:

ClinVar aggregate classification (germline): Benign/Likely benign. Review status: criteria provided, multiple submitters, no conflicts (2 of 4 stars). 5 submissions from 5 submitters: Benign (1); Likely benign (4). Last evaluated 2026-01-29.

Conditions:
Congenital myasthenic syndrome 12 (CMS12). Also called: MYASTHENIC SYNDROME, CONGENITAL, WITH TUBULAR AGGREGATES 1; Myasthenia, congenital, 12, with tubular aggregates. Identifiers: Orphanet 353327, Orphanet 590, MedGen C3552335, MONDO:0012518, OMIM 610542.

Allele frequency attached by ClinVar (database versions not stated): gnomAD 0.00021 and 0.00040; ESP Exome Variant Server 0.00023; TOPMed 0.00027; gnomAD exomes 0.00058 and 0.00101; 1000 Genomes Project 0.00060; 1000 Genomes Project 30x 0.00062; ExAC 0.00111.
gnomAD v4.1: 829 of 1,474,526 alleles (0.056%); highest among the groups gnomAD compares: South Asian, 0.57%; 8 homozygotes.

Submissions (5):

Labcorp Genetics (formerly Invitae), Labcorp
Classification: Likely benign for Congenital myasthenic syndrome 12. Last evaluated: 2026-01-29. Review status: criteria provided, single submitter. Criteria: Invitae Variant Classification Sherloc (09022015). Collection method: clinical testing. Allele origin: germline.

CeGaT Center for Human Genetics Tuebingen
Classification: Likely benign. Last evaluated: 2024-01-01. Review status: criteria provided, single submitter. Criteria: CeGaT Center For Human Genetics Tuebingen Variant Classification Criteria Version 2. Collection method: clinical testing. Allele origin: germline. Affected: yes. Observed: 1 variant allele.
Comment: GFPT1: BP4, BS2

Illumina Laboratory Services, Illumina
Classification: Likely benign for Congenital myasthenic syndrome 12. Last evaluated: 2018-01-13. Review status: criteria provided, single submitter. Criteria: ICSL Variant Classification Criteria 13 December 2019. Collection method: clinical testing. Allele origin: germline.
Comment: This variant was observed in the ICSL laboratory as part of a predisposition screen in an ostensibly healthy population. It had not been previously curated by ICSL or reported in the Human Gene Mutation Database (HGMD: prior to June 1st, 2018), and was therefore a candidate for classification through an automated scoring system. Utilizing variant allele frequency, disease prevalence and penetrance estimates, and inheritance mode, an automated score was calculated to assess if this variant is too frequent to cause the disease. Based on the score and internal cut-off values, a variant classified as likely benign is not then subjected to further curation. The score for this variant resulted in a classification of likely benign for this disease.

Athena Diagnostics
Classification: Benign. Last evaluated: 2017-02-10. Review status: criteria provided, single submitter. Criteria: Athena Diagnostics Criteria. Collection method: clinical testing. Allele origin: germline.

Breakthrough Genomics
Classification: Likely benign. Review status: criteria provided, single submitter. Criteria: ACMG Guidelines, 2015. Collection method: not provided. Allele origin: germline. Inheritance: Autosomal recessive inheritance. Affected: yes.

NM_001244710.2(GFPT1):c.223+5C>T

Gene: GFPT1 (glutamine--fructose-6-phosphate transaminase 1; minus strand). Cytogenetic location: 2p13.3.
Variant type: single nucleotide variant.
Coding change: c.223+5C>T on transcript NM_001244710.2 (MANE Select); 5 bases into the intron after coding-DNA position 223, C replaced by T.
Molecular consequence: intron variant.
Genome position (GRCh38, 1-based): chr2:69,369,996, G>A on the plus strand (C>T on the coding strand, the complement: GFPT1 is on the minus strand). VCF-style: chr2-69369996-G-A. GRCh37 (hg19) VCF-style: chr2-69597128-G-A.
Other names: c.223+5C>T (NM_002056.4).
Identifiers: ClinVar variation 336881 (VCV000336881.38), dbSNP rs200631666, ClinGen allele CA1693952.